The following is an entry in ClinVar:

NM_004700.4(KCNQ4):c.2022C>G (p.His674Gln)

Gene: KCNQ4 (potassium voltage-gated channel subfamily Q member 4; plus strand). Cytogenetic location: 1p34.2.
Variant type: single nucleotide variant.
Coding change: c.2022C>G on transcript NM_004700.4 (MANE Select); coding-DNA position 2022, C replaced by G.
Protein change: p.His674Gln; replaces histidine 674 with glutamine.
Molecular consequence: missense variant.
Genome position (GRCh38, 1-based): chr1:40,838,457, C>G. VCF-style: chr1-40838457-C-G. GRCh37 (hg19) VCF-style: chr1-41304129-C-G.
Other names: c.1860C>G, p.His620Gln (NM_172163.3); short protein forms H620Q, H674Q.
Identifiers: ClinVar variation 3252180 (VCV003252180.1), dbSNP rs2523958362.

ClinVar aggregate classification (germline): Uncertain significance (1 of 4 stars; one submission).

Submission:

GeneDx
Classification: Uncertain significance. Last evaluated: 2023-06-21. Review status: criteria provided, single submitter. Criteria: GeneDx Variant Classification Process June 2021. Collection method: clinical testing. Allele origin: germline. Affected: yes.
Comment: Not observed at significant frequency in large population cohorts (gnomAD); In silico analysis supports that this missense variant does not alter protein structure/function; Has not been previously published as pathogenic or benign to our knowledge